The following is an entry in ClinVar:

NM_003801.4(GPAA1):c.931C>T (p.Arg311Cys)

Gene: GPAA1 (glycosylphosphatidylinositol anchor attachment 1; plus strand). Cytogenetic location: 8q24.3.
Variant type: single nucleotide variant.
Coding change: c.931C>T on transcript NM_003801.4 (MANE Select); coding-DNA position 931, C replaced by T.
Protein change: p.Arg311Cys; replaces arginine 311 with cysteine.
Molecular consequence: missense variant.
Genome position (GRCh38, 1-based): chr8:144,084,530, C>T. VCF-style: chr8-144084530-C-T. GRCh37 (hg19) VCF-style: chr8-145139433-C-T.
Other names: c.931C>T (NM_003801.3); short protein forms R311C.
Identifiers: ClinVar variation 1389320 (VCV001389320.4), dbSNP rs782802263, ClinGen allele CA4932973.
Genomic context (GRCh38, chr8:144,084,530, plus strand): 5'-CTGCTCATGGTTCTGCGGCAGGCCTCCGGCCGCCCCCACGGCTCCCATGGCCTCTTCCTG[C>T]GCTACCGTGTGGAGGCCCTAACCCTGCGTGGCATCAATAGCTTCCGCCAGTACAAGTATG-3'
Protein context (NP_003792.1, residues 301-321): RPHGSHGLFL[Arg311Cys]YRVEALTLRG

ClinVar aggregate classification (germline): Uncertain significance. Review status: criteria provided, multiple submitters, no conflicts (2 of 4 stars). 2 submissions from 2 submitters: Uncertain significance (2). Last evaluated 2024-12-04.

Conditions:
Inborn genetic diseases. Identifiers: MedGen C0950123, MeSH D030342.

Allele frequency attached by ClinVar (database versions not stated): gnomAD 0.00001 and 0.00002; ExAC 0.00002; gnomAD exomes 0.00002 and 0.00004; TOPMed 0.00002.

Submissions (2):

Ambry Genetics
Classification: Uncertain significance for Inborn genetic diseases. Last evaluated: 2024-12-04. Review status: criteria provided, single submitter. Criteria: Ambry Variant Classification Scheme 2023. Collection method: clinical testing. Allele origin: germline.

Labcorp Genetics (formerly Invitae), Labcorp
Classification: Uncertain significance. Last evaluated: 2022-11-02. Review status: criteria provided, single submitter. Criteria: Invitae Variant Classification Sherloc (09022015). Collection method: clinical testing. Allele origin: germline.
Comment: This sequence change replaces arginine, which is basic and polar, with cysteine, which is neutral and slightly polar, at codon 311 of the GPAA1 protein (p.Arg311Cys). This variant is present in population databases (rs782802263, gnomAD 0.006%). This variant has not been reported in the literature in individuals affected with GPAA1-related conditions. ClinVar contains an entry for this variant (Variation ID: 1389320). Advanced modeling of protein sequence and biophysical properties (such as structural, functional, and spatial information, amino acid conservation, physicochemical variation, residue mobility, and thermodynamic stability) performed at Invitae indicates that this missense variant is expected to disrupt GPAA1 protein function. In summary, the available evidence is currently insufficient to determine the role of this variant in disease. Therefore, it has been classified as a Variant of Uncertain Significance.